The following is an entry in ClinVar:

NM_006231.4(POLE):c.6411G>T (p.Glu2137Asp)

Gene: POLE (DNA polymerase epsilon, catalytic subunit; minus strand). Cytogenetic location: 12q24.33.
Variant type: single nucleotide variant.
Coding change: c.6411G>T on transcript NM_006231.4 (MANE Select); coding-DNA position 6411, G replaced by T.
Protein change: p.Glu2137Asp; replaces glutamic acid 2137 with aspartic acid.
Molecular consequence: missense variant.
Genome position (GRCh38, 1-based): chr12:132,626,237, C>A on the plus strand (G>T on the coding strand, the complement: POLE is on the minus strand). VCF-style: chr12-132626237-C-A. GRCh37 (hg19) VCF-style: chr12-133202823-C-A.
Other names: short protein forms E2137D.
Identifiers: ClinVar variation 657181 (VCV000657181.13), dbSNP rs753344188, ClinGen allele CA6892186.
Genomic context (GRCh38, chr12:132,626,237, plus strand): 5'-GATGACCTCAGGAAGCACGTAGGAGCGGCAGGGGTCTCGGAACTGGGCCTCCTCGGAGAA[C>A]TCGCCGACATCCACCAGGCGAAGCAGGTCTCGGTTCAGCTTATTCACCTGGTTTGTGATG-3'
Protein context (NP_006222.2, residues 2127-2147): RDLLRLVDVG[Glu2137Asp]FSEEAQFRDP

ClinVar aggregate classification (germline): Uncertain significance. Review status: criteria provided, multiple submitters, no conflicts (2 of 4 stars). 2 submissions from 2 submitters: Uncertain significance (2). Last evaluated 2025-06-09.

Conditions:
Hereditary cancer-predisposing syndrome. Also called: Hereditary neoplastic syndrome; Tumor predisposition; Neoplastic Syndromes, Hereditary; Hereditary Cancer Syndrome. Identifiers: Orphanet 140162, MedGen C0027672, MeSH D009386, MONDO:0015356.

Allele frequency attached by ClinVar (database versions not stated): ExAC 0.00002; gnomAD exomes 0.00001.
gnomAD v4.1: 3 of 1,613,896 alleles (0.00019%); highest among the groups gnomAD compares: Non-Finnish European, 0.00025%; no homozygotes.

Submissions (2):

Labcorp Genetics (formerly Invitae), Labcorp
Classification: Uncertain significance. Last evaluated: 2025-06-09. Review status: criteria provided, single submitter. Criteria: Invitae Variant Classification Sherloc (09022015). Collection method: clinical testing. Allele origin: germline.
Comment: This sequence change replaces glutamic acid, which is acidic and polar, with aspartic acid, which is acidic and polar, at codon 2137 of the POLE protein (p.Glu2137Asp). This variant is present in population databases (rs753344188, gnomAD 0.002%). This variant has not been reported in the literature in individuals affected with POLE-related conditions. ClinVar contains an entry for this variant (Variation ID: 657181). Invitae Evidence Modeling of protein sequence and biophysical properties (such as structural, functional, and spatial information, amino acid conservation, physicochemical variation, residue mobility, and thermodynamic stability) indicates that this missense variant is not expected to disrupt POLE protein function with a negative predictive value of 80%. In summary, the available evidence is currently insufficient to determine the role of this variant in disease. Therefore, it has been classified as a Variant of Uncertain Significance.

Ambry Genetics
Classification: Uncertain significance for Hereditary cancer-predisposing syndrome. Last evaluated: 2024-01-25. Review status: criteria provided, single submitter. Criteria: Ambry Variant Classification Scheme 2023. Collection method: clinical testing. Allele origin: germline.
Comment: The p.E2137D variant (also known as c.6411G>T), located in coding exon 46 of the POLE gene, results from a G to T substitution at nucleotide position 6411. The glutamic acid at codon 2137 is replaced by aspartic acid, an amino acid with highly similar properties. This amino acid position is conserved. In addition, this alteration is predicted to be tolerated by in silico analysis. Since supporting evidence is limited at this time, the clinical significance of this alteration remains unclear.